The following is an entry in ClinVar:

ClinVar aggregate classification (germline): Uncertain significance (1 of 4 stars; one submission).

gnomAD v4.1: 2 of 1,613,710 alleles (0.00012%); highest among the groups gnomAD compares: Non-Finnish European, 0.00017%; no homozygotes.

Submission:

GeneDx
Classification: Uncertain significance. Last evaluated: 2024-12-13. Review status: criteria provided, single submitter. Criteria: GeneDx Variant Classification Process June 2021. Collection method: clinical testing. Allele origin: germline. Affected: yes.
Comment: Not observed at significant frequency in large population cohorts (gnomAD); In silico analysis supports that this missense variant has a deleterious effect on protein structure/function; Has not been previously published as pathogenic or benign to our knowledge

NM_001458.5(FLNC):c.4405T>C (p.Cys1469Arg)

Gene: FLNC (filamin C; plus strand). Cytogenetic location: 7q32.1.
Variant type: single nucleotide variant.
Coding change: c.4405T>C on transcript NM_001458.5 (MANE Select); coding-DNA position 4405, T replaced by C.
Protein change: p.Cys1469Arg; replaces cysteine 1469 with arginine.
Molecular consequence: missense variant.
Genome position (GRCh38, 1-based): chr7:128,847,813, T>C. VCF-style: chr7-128847813-T-C. GRCh37 (hg19) VCF-style: chr7-128487867-T-C.
Other names: c.4405T>C, p.Cys1469Arg (NM_001127487.2); short protein forms C1469R.
Identifiers: ClinVar variation 3903366 (VCV003903366.1).